The following is an entry in ClinVar:

ClinVar aggregate classification (germline): Uncertain significance (1 of 4 stars; one submission).

Conditions:
Left ventricular noncompaction 1 (LVNC1). Also called: LEFT VENTRICULAR NONCOMPACTION 1 WITH OR WITHOUT CONGENITAL HEART DEFECTS. Identifiers: Orphanet 54260, MedGen C1858725, MONDO:0011403, OMIM 604169.

Allele frequency attached by ClinVar (database versions not stated): gnomAD exomes below 0.00001; gnomAD 0.00001; TOPMed 0.00001.
gnomAD v4.1: 2 of 1,613,024 alleles (0.00012%); highest among the groups gnomAD compares: African/African-American, 0.0013%; no homozygotes.

Submission:

Labcorp Genetics (formerly Invitae), Labcorp
Classification: Uncertain significance for Left ventricular noncompaction 1. Last evaluated: 2023-11-06. Review status: criteria provided, single submitter. Criteria: Invitae Variant Classification Sherloc (09022015). Collection method: clinical testing. Allele origin: germline.
Comment: This sequence change falls in intron 16 of the DTNA gene. It does not directly change the encoded amino acid sequence of the DTNA protein. This variant is present in population databases (no rsID available, gnomAD 0.004%). This variant has not been reported in the literature in individuals affected with DTNA-related conditions. Algorithms developed to predict the effect of sequence changes on RNA splicing suggest that this variant may disrupt the consensus splice site. In summary, the available evidence is currently insufficient to determine the role of this variant in disease. Therefore, it has been classified as a Variant of Uncertain Significance.

NM_001386795.1(DTNA):c.1744-11T>C

Gene: DTNA (dystrobrevin alpha; plus strand). Cytogenetic location: 18q12.1.
Variant type: single nucleotide variant.
Coding change: c.1744-11T>C on transcript NM_001386795.1 (MANE Select); 11 bases into the intron before coding-DNA position 1744, T replaced by C.
Molecular consequence: intron variant.
Genome position (GRCh38, 1-based): chr18:34,875,228, T>C. VCF-style: chr18-34875228-T-C. GRCh37 (hg19) VCF-style: chr18-32455192-T-C.
Other names: c.1483-11T>C (NM_001198938.2, NM_001386766.1, NM_001386767.1 and 5 more transcripts); c.1744-11T>C (NM_001386788.1); c.1573-11T>C (NM_001386758.1, NM_001386759.1, NM_001386757.1 and 3 more transcripts); c.1480-11T>C (NM_001386769.1, NM_001386768.1); c.1663-11T>C (NM_001390.5); c.733-11T>C (NM_001198943.1); c.790-11T>C (NM_001198942.1); c.619-11T>C (NM_001198944.1); and 5 more.
Identifiers: ClinVar variation 2971345 (VCV002971345.3), dbSNP rs1430191833, ClinGen allele CA629454196.